The following is an entry in ClinVar:

NM_001384732.1(CPLANE1):c.3538G>A (p.Glu1180Lys)

Gene: CPLANE1 (ciliogenesis and planar polarity effector complex subunit 1; minus strand). Cytogenetic location: 5p13.2.
Variant type: single nucleotide variant.
Coding change: c.3538G>A on transcript NM_001384732.1 (MANE Select); coding-DNA position 3538, G replaced by A.
Protein change: p.Glu1180Lys; replaces glutamic acid 1180 with lysine.
Molecular consequence: missense variant.
Genome position (GRCh38, 1-based): chr5:37,198,836, C>T on the plus strand (G>A on the coding strand, the complement: CPLANE1 is on the minus strand). VCF-style: chr5-37198836-C-T. GRCh37 (hg19) VCF-style: chr5-37198938-C-T.
Other names: c.3538G>A, p.Glu1180Lys (NM_023073.4); short protein forms E1180K.
Identifiers: ClinVar variation 1950157 (VCV001950157.5), dbSNP rs2548108565, ClinGen allele CA359511811.

ClinVar aggregate classification (germline): Uncertain significance (1 of 4 stars; one submission).

Allele frequency attached by ClinVar (database versions not stated): gnomAD exomes below 0.00001.
gnomAD v4.1: 2 of 1,613,918 alleles (0.00012%); highest among the groups gnomAD compares: Non-Finnish European, 0.00017%; no homozygotes.

Submission:

Labcorp Genetics (formerly Invitae), Labcorp
Classification: Uncertain significance. Last evaluated: 2022-01-11. Review status: criteria provided, single submitter. Criteria: Invitae Variant Classification Sherloc (09022015). Collection method: clinical testing. Allele origin: germline.
Comment: This variant is not present in population databases (gnomAD no frequency). This sequence change replaces glutamic acid, which is acidic and polar, with lysine, which is basic and polar, at codon 1180 of the CPLANE1 protein (p.Glu1180Lys). This variant has not been reported in the literature in individuals affected with CPLANE1-related conditions. Advanced modeling of protein sequence and biophysical properties (such as structural, functional, and spatial information, amino acid conservation, physicochemical variation, residue mobility, and thermodynamic stability) performed at Invitae indicates that this missense variant is expected to disrupt CPLANE1 protein function. In summary, the available evidence is currently insufficient to determine the role of this variant in disease. Therefore, it has been classified as a Variant of Uncertain Significance.